The following is an entry in ClinVar:

NM_001267550.2(TTN):c.101440del (p.Glu33814fs)

Genes: TTN (titin; minus strand), TTN-AS1 (TTN antisense RNA 1; plus strand). Cytogenetic location: 2q31.2.
Variant type: Deletion.
Coding change: c.101440del on transcript NM_001267550.2 (MANE Select); coding-DNA position 101440, one base deleted (G; older notation c.101440delG).
Protein change: p.Glu33814fs; shifts the reading frame from glutamic acid 33814.
Molecular consequence: frameshift variant.
Genome position (GRCh38, 1-based): chr2:178,535,175, C deleted on the plus strand (G on the coding strand, the reverse complement: TTN is on the minus strand); the first of 2 consecutive C bases (chr2:178,535,175-178,535,176); deleting either gives the same sequence. VCF-style (leftmost placement, unchanged base first): chr2-178535174-TC-T. GRCh37 (hg19) VCF-style: chr2-179399901-TC-T.
Other names: c.96517del, p.Glu32173fs (NM_001256850.1); c.74245del, p.Glu24749fs (NM_003319.4); c.93736del, p.Glu31246fs (NM_133378.4); c.74620del, p.Glu24874fs (NM_133432.3); c.74821del, p.Glu24941fs (NM_133437.4); c.74245delG (NM_003319.4); short protein forms E24874fs, E31246fs, E24749fs, E24941fs, E33814fs, E32173fs.
Identifiers: ClinVar variation 842501 (VCV000842501.13), dbSNP rs1690880184, ClinGen allele CA916081322.
Genomic context (GRCh38, chr2:178,535,174, plus strand): 5'-TGGACAATTCCAAACTCACCACGCCCAAGATCTTCAGCAATCATATATTTCTCATAGAGT[TC>T]CTTGGTTGAAGAGTGAGATGCTTTAGTCATGGAGACTTCCCTGGTTTCATCTACCTCTTC-3'

ClinVar aggregate classification (germline): Likely pathogenic. Review status: criteria provided, multiple submitters, no conflicts (2 of 4 stars). 2 submissions from 2 submitters: Likely pathogenic (2). Last evaluated 2026-03-20.

Conditions:
Autosomal recessive limb-girdle muscular dystrophy type 2J (LGMDR10). Also called: MUSCULAR DYSTROPHY, LIMB-GIRDLE, AUTOSOMAL RECESSIVE 10; Limb-girdle muscular dystrophy, type 2J. Identifiers: Orphanet 140922, MedGen C1837342, MONDO:0012127, OMIM 608807.
Dilated cardiomyopathy 1G (CMD1G). Identifiers: Orphanet 154, MedGen C1858763, MONDO:0011400, OMIM 604145.
Cardiovascular phenotype. Identifiers: MedGen CN230736.

Submissions (2):

Ambry Genetics
Classification: Likely pathogenic for Cardiovascular phenotype. Last evaluated: 2026-03-20. Review status: criteria provided, single submitter. Criteria: Ambry Variant Classification Scheme 2023. Collection method: clinical testing. Allele origin: germline.
Comment: The c.74245delG variant, located in coding exon 185 of the TTN gene, results from a deletion of one nucleotide at nucleotide position 74245, causing a translational frameshift with a predicted alternate stop codon (p.E24749Nfs*7). This exon is located in the M-band region of the N2-B isoform of the titin protein and is constitutively expressed in TTN transcripts (percent spliced in or PSI 100%). This variant was reported in individual(s) with features consistent with dilated cardiomyopathy (Ambry internal data). This variant is considered to be rare based on population cohorts in the Genome Aggregation Database (gnomAD). This variant is expected to result in loss of function by premature protein truncation or nonsense-mediated mRNA decay. While truncating variants in TTN are present in 1-3% of the general population, truncating variants in the M-band have been reported in association with autosomal recessive titinopathies, primarily presenting with skeletal myopathy phenotypes (Ceyhan-Birsoy O et al. Neurology. 2013 Oct 1;81(14):1205-14; De Cid R et al. Neurology. 2015;85(24):2126-35). Truncating variants in coding exon 185 of the M-band of the N2-B isoform have also been specifically associated with autosomal dominant dilated cardiomyopathy (Vatta M et al. Circ GenomPrecis Med. 2025 Feb:e004982). More generally, TTN truncating variants encoded in constitutive exons (PSI >90%) have been found to be significantly associated with dilated cardiomyopathy (DCM) regardless of their position, although truncating variants in the A-band are the most common cause of DCM (Herman DS et al. N. Engl. J. Med., 2012 Feb;366:619-28; Roberts AM et al. Sci Transl Med, 2015 Jan;7:270ra6; Schafer S et al. Nat. Genet., 2017 01;49:46-53; Akhtar MM et al. Circ Heart Fail, 2020 Oct;13:e006832; Massier M et al. Clin Genet, 2025 Jan). Based on the majority of available evidence to date, this variant is likely to be pathogenic.

Labcorp Genetics (formerly Invitae), Labcorp
Classification: Likely pathogenic for Dilated cardiomyopathy 1G; Autosomal recessive limb-girdle muscular dystrophy type 2J. Last evaluated: 2025-07-09. Review status: criteria provided, single submitter. Criteria: Invitae Variant Classification Sherloc (09022015). Collection method: clinical testing. Allele origin: germline.
Comment: This sequence change creates a premature translational stop signal (p.Glu33814Asnfs*7) in the TTN gene. While this is not anticipated to result in nonsense mediated decay, it is expected to create a truncated TTN protein. This variant is not present in population databases (gnomAD no frequency). This premature translational stop signal has been observed in individual(s) with clinical features of TTN-related cardiomyopathy and/or skeletal muscle myopathy (PMID: 38429495; internal data). ClinVar contains an entry for this variant (Variation ID: 842501). This variant is located in the M band of TTN (PMID: 25589632). Truncating variants in this region have been previously reported in individuals affected with autosomal dominant or autosomal recessive myopathy and muscular dystrophy (PMID: 18948003, 23975875, 24395473). Truncating variants in this region have also been identified in individuals affected with autosomal dominant dilated cardiomyopathy and/or cardio-related conditions (PMID: 27869827, 32964742, internal data). In summary, the currently available evidence indicates that the variant is pathogenic, but additional data are needed to prove that conclusively. Therefore, this variant has been classified as Likely Pathogenic.

Literature cited by the submitters: PubMed 38429495 (cited by Labcorp Genetics (formerly Invitae), Labcorp); PubMed 25589632 (cited by Labcorp Genetics (formerly Invitae), Labcorp); PubMed 18948003 (cited by Labcorp Genetics (formerly Invitae), Labcorp); PubMed 23975875 (cited by Labcorp Genetics (formerly Invitae), Labcorp); PubMed 24395473 (cited by Labcorp Genetics (formerly Invitae), Labcorp); PubMed 27869827 (cited by Labcorp Genetics (formerly Invitae), Labcorp); PubMed 32964742 (cited by Labcorp Genetics (formerly Invitae), Labcorp).